The following is an entry in ClinVar:

ClinVar aggregate classification (germline): Pathogenic (1 of 4 stars; one submission).

Submission:

Labcorp Genetics (formerly Invitae), Labcorp
Classification: Pathogenic. Last evaluated: 2025-05-25. Review status: criteria provided, single submitter. Criteria: Invitae Variant Classification Sherloc (09022015). Collection method: clinical testing. Allele origin: germline.
Comment: This sequence change creates a premature translational stop signal (p.Trp140*) in the SLC45A2 gene. It is expected to result in an absent or disrupted protein product. Loss-of-function variants in SLC45A2 are known to be pathogenic (PMID: 21458243, 26573111). This variant is present in population databases (rs779278901, gnomAD 0.002%). This variant has not been reported in the literature in individuals affected with SLC45A2-related conditions. Algorithms developed to predict the effect of sequence changes on RNA splicing suggest that this variant may disrupt the consensus splice site. For these reasons, this variant has been classified as Pathogenic.

Literature cited by the submitters: PubMed 21458243; PubMed 26573111.

NM_016180.5(SLC45A2):c.419G>A (p.Trp140Ter)

Gene: SLC45A2 (solute carrier family 45 member 2; minus strand). Cytogenetic location: 5p13.2.
Variant type: single nucleotide variant.
Coding change: c.419G>A on transcript NM_016180.5 (MANE Select); coding-DNA position 419, G replaced by A.
Protein change: p.Trp140Ter; replaces tryptophan 140 with a stop codon.
Molecular consequence: nonsense.
Genome position (GRCh38, 1-based): chr5:33,982,379, C>T on the plus strand (G>A on the coding strand, the complement: SLC45A2 is on the minus strand). VCF-style: chr5-33982379-C-T. GRCh37 (hg19) VCF-style: chr5-33982484-C-T.
Other names: c.419G>A, p.Trp140Ter (NM_001012509.4, NM_001297417.4); short protein forms W140*.
Identifiers: ClinVar variation 4798091 (VCV004798091.1).
Genomic context (GRCh38, chr5:33,982,379, plus strand): 5'-TCAATGAAGTCGGCAGCAAAATCAAAGAGAACGACACCTATCATGGTGACACTTATGGCC[C>T]AAACCAGCTTCCTCCTTGGGTTAGCAATCAAAGCTAAAAGAAAAATAAACATTGGTCTCC-3'